The following is an entry in ClinVar:

ClinVar aggregate classification (germline): Likely benign (0 of 4 stars; one submission).

Conditions:
OGG1-related disorder. Also called: OGG1-related condition.

Allele frequency attached by ClinVar (database versions not stated): ExAC 0.00001; gnomAD 0.00002; TOPMed 0.00002; gnomAD exomes 0.00002.
gnomAD v4.1: 12 of 1,614,074 alleles (0.00074%); highest among the groups gnomAD compares: Admixed American, 0.018%; no homozygotes.

Submission:

PreventionGenetics, part of Exact Sciences
Classification: Likely benign for OGG1-related condition. Last evaluated: 2019-07-12. Review status: no assertion criteria provided. Collection method: clinical testing. Allele origin: germline.
Comment: This variant is classified as likely benign based on ACMG/AMP sequence variant interpretation guidelines (Richards et al. 2015 PMID: 25741868, with internal and published modifications).

NM_016821.3(OGG1):c.1075C>T (p.Leu359Phe)

Genes: CAMK1 (calcium/calmodulin dependent protein kinase I; minus strand), OGG1 (8-oxoguanine DNA glycosylase; plus strand). Cytogenetic location: 3p25.3.
Variant type: single nucleotide variant.
Coding change: c.1075C>T on transcript NM_016821.3; coding-DNA position 1075, C replaced by T.
Protein change: p.Leu359Phe; replaces leucine 359 with phenylalanine.
Molecular consequence: missense variant. On other transcripts: synonymous variant (1), 3 prime UTR variant (5), intron variant (7).
Genome position (GRCh38, 1-based): chr3:9,765,935, C>T. VCF-style: chr3-9765935-C-T. GRCh37 (hg19) VCF-style: chr3-9807619-C-T.
Other names: c.924C>T, p.Ser308= (NM_001354650.2); c.*104C>T (NM_001354651.2, NM_001354652.2, NM_016827.3 and 1 more transcripts); c.874C>T, p.Leu292Phe (NM_016826.3); c.*159C>T (NM_016829.3); c.948+9119C>T (NM_001434445.1, NM_001434448.1); c.565+13986C>T (NM_001434446.1, NM_001434449.1); c.797+9119C>T (NM_001434450.1); c.747+11050C>T (NM_001434447.1); and 1 more; short protein forms L292F, L359F.
Identifiers: ClinVar variation 3049965 (VCV003049965.2), dbSNP rs756959576, ClinGen allele CA2243350.
Genomic context (GRCh38, chr3:9,765,935, plus strand): 5'-CTCCGAGAAGGCCCCCCTATCGGGAGAGGGGATTCACAAGGTGAAGAACTGGAACCCCAG[C>T]TTCCCTCCAGCCTCTCCTCCATTCCCTATGGGTTCTGTGACCACTGCTGGACCAAGGACG-3'